The following is an entry in ClinVar:

ClinVar aggregate classification (germline): Uncertain significance (1 of 4 stars; one submission).

Submission:

Ambry Genetics
Classification: Uncertain significance. Last evaluated: 2024-02-17. Review status: criteria provided, single submitter. Criteria: Ambry Variant Classification Scheme 2023. Collection method: clinical testing. Allele origin: germline.
Comment: The p.S907L variant (also known as c.2720C>T), located in coding exon 24 of the KIF1B gene, results from a C to T substitution at nucleotide position 2720. The serine at codon 907 is replaced by leucine, an amino acid with dissimilar properties. This amino acid position is conserved. In addition, this alteration is predicted to be deleterious by in silico analysis. Based on the available evidence, the clinical significance of this alteration remains unclear.

NM_001365951.3(KIF1B):c.2858C>T (p.Ser953Leu)

Genes: KIF1B (kinesin family member 1B; plus strand), LOC126805614 (BRD4-independent group 4 enhancer GRCh37_chr1:10385546-10386745; plus strand). Cytogenetic location: 1p36.22.
Variant type: single nucleotide variant.
Coding change: c.2858C>T on transcript NM_001365951.3 (MANE Select); coding-DNA position 2858, C replaced by T.
Protein change: p.Ser953Leu; replaces serine 953 with leucine.
Molecular consequence: missense variant.
Genome position (GRCh38, 1-based): chr1:10,326,293, C>T. VCF-style: chr1-10326293-C-T. GRCh37 (hg19) VCF-style: chr1-10386351-C-T.
Other names: c.2858C>T, p.Ser953Leu (NM_001365952.1); c.2720C>T, p.Ser907Leu (NM_015074.3); short protein forms S907L, S953L.
Identifiers: ClinVar variation 3226414 (VCV003226414.1), dbSNP rs2521640991, ClinGen allele CA338337380.